The following is an entry in ClinVar:

ClinVar aggregate classification (germline): Uncertain significance. Review status: criteria provided, multiple submitters, no conflicts (2 of 4 stars). 2 submissions from 2 submitters: Uncertain significance (2). Last evaluated 2024-08-13.

Conditions:
Hereditary cancer-predisposing syndrome. Also called: Neoplastic Syndromes, Hereditary; Tumor predisposition; Hereditary neoplastic syndrome; Hereditary Cancer Syndrome. Identifiers: Orphanet 140162, MedGen C0027672, MeSH D009386, MONDO:0015356.

Allele frequency attached by ClinVar (database versions not stated): TOPMed below 0.00001.

Submissions (2):

Quest Diagnostics Nichols Institute San Juan Capistrano
Classification: Uncertain significance. Last evaluated: 2024-08-13. Review status: criteria provided, single submitter. Criteria: Quest Diagnostics criteria. Collection method: clinical testing. Allele origin: unknown.
Comment: The PALB2 c.989A>G (p.Asn330Ser) variant has not been reported in individuals with PALB2-related conditions in the published literature. It also has not been reported in large, multi-ethnic general populations (Genome Aggregation Database). Analysis of this variant using bioinformatics tools for the prediction of the effect of amino acid changes on protein structure and function yielded predictions that this variant is benign. Based on the available information, we are unable to determine the clinical significance of this variant.

Ambry Genetics
Classification: Uncertain significance for Hereditary cancer-predisposing syndrome. Last evaluated: 2023-10-27. Review status: criteria provided, single submitter. Criteria: Ambry Variant Classification Scheme 2023. Collection method: clinical testing. Allele origin: germline.
Comment: The p.N330S variant (also known as c.989A>G), located in coding exon 4 of the PALB2 gene, results from an A to G substitution at nucleotide position 989. The asparagine at codon 330 is replaced by serine, an amino acid with highly similar properties. This amino acid position is conserved. In addition, this alteration is predicted to be tolerated by in silico analysis. Since supporting evidence is limited at this time, the clinical significance of this alteration remains unclear.

NM_024675.4(PALB2):c.989A>G (p.Asn330Ser)

Gene: PALB2 (partner and localizer of BRCA2; minus strand). Cytogenetic location: 16p12.2.
Variant type: single nucleotide variant.
Coding change: c.989A>G on transcript NM_024675.4 (MANE Select); coding-DNA position 989, A replaced by G.
Protein change: p.Asn330Ser; replaces asparagine 330 with serine.
Molecular consequence: missense variant. On other transcripts: intron variant (3).
Genome position (GRCh38, 1-based): chr16:23,635,557, T>C on the plus strand (A>G on the coding strand, the complement: PALB2 is on the minus strand). VCF-style: chr16-23635557-T-C. GRCh37 (hg19) VCF-style: chr16-23646878-T-C.
Other names: c.929A>G, p.Asn310Ser (NM_001407296.1); c.989A>G, p.Asn330Ser (NM_001407297.1, NM_001407298.1, NM_001407299.1 and 3 more transcripts); c.104A>G, p.Asn35Ser (NM_001407304.1, NM_001407305.1, NM_001407306.1 and 5 more transcripts); c.48+5553A>G (NM_001407314.1); c.-104-5088A>G (NM_001407313.1, NM_001407312.1); short protein forms N310S, N330S, N35S.
Identifiers: ClinVar variation 3228052 (VCV003228052.2), dbSNP rs1967003935, ClinGen allele CA395134730.
Genomic context (GRCh38, chr16:23,635,557, plus strand): 5'-TGATTTTGTTCTTTTAAGTTTTGGTTTTCATTTGCTGGTAAGTTATTGTAGGTGAGTTCA[T>C]TTAGAGAACATGAAATATTTGCCTCTAAATTAGAACTTGTGGGCAGTTGGCCACTTTTAC-3'
Protein context (NP_078951.2, residues 320-340): NLEANISCSL[Asn330Ser]ELTYNNLPAN